The following is an entry in ClinVar:

ClinVar aggregate classification (germline): Uncertain significance (0 of 4 stars; one submission).

Conditions:
SIM1-related disorder. Also called: SIM1-related condition; SIM1-related disorders.

gnomAD v4.1: 5 of 1,549,050 alleles (0.00032%); highest among the groups gnomAD compares: African/African-American, 0.0069%; no homozygotes.

Submission:

PreventionGenetics, part of Exact Sciences
Classification: Uncertain significance for SIM1-related condition. Last evaluated: 2024-07-01. Review status: no assertion criteria provided. Collection method: clinical testing. Allele origin: germline.
Comment: The SIM1 c.1549G>A variant is predicted to result in the amino acid substitution p.Ala517Thr. To our knowledge, this variant has not been reported in the literature. This variant is reported in 0.0064% of alleles in individuals of African descent in gnomAD. Of note, a different variant at the same amino acid (p.Ala517Val) has been reported in an obese individual, and functional analysis of the variant showed a decrease in SIM1 transcriptional activity when compared to wild type (Zegers et al. 2014. PubMed ID: 24097297). At this time, the clinical significance of the c.1549G>A (p.Ala517Thr) variant is uncertain due to the absence of conclusive functional and genetic evidence.

NM_005068.3(SIM1):c.1549G>A (p.Ala517Thr)

Genes: SIM1 (SIM bHLH transcription factor 1; minus strand), SIM1-AS1 (SIM1 antisense RNA 1; plus strand). Cytogenetic location: 6q16.3.
Variant type: single nucleotide variant.
Coding change: c.1549G>A on transcript NM_005068.3 (MANE Select); coding-DNA position 1549, G replaced by A.
Protein change: p.Ala517Thr; replaces alanine 517 with threonine.
Molecular consequence: missense variant. On other transcripts: non-coding transcript variant (1).
Genome position (GRCh38, 1-based): chr6:100,393,508, C>T on the plus strand (G>A on the coding strand, the complement: SIM1 is on the minus strand). VCF-style: chr6-100393508-C-T. GRCh37 (hg19) VCF-style: chr6-100841384-C-T.
Other names: c.1549G>A, p.Ala517Thr (NM_001374769.1); short protein forms A517T.
Identifiers: ClinVar variation 3353858 (VCV003353858.1).